The following is an entry in ClinVar:

ClinVar aggregate classification (germline): Likely benign. Review status: criteria provided, single submitter (1 of 4 stars). 2 submissions from 2 submitters: Likely benign (1). 1 of the submissions does not count toward it. Last evaluated 2026-01-18.

Conditions:
DOCK6-related disorder. Also called: DOCK6-related condition.

Allele frequency attached by ClinVar (database versions not stated): 1000 Genomes Project 0.00020; gnomAD exomes 0.00020; ESP Exome Variant Server 0.00024; ExAC 0.00026; 1000 Genomes Project 30x 0.00031; gnomAD 0.00044 and 0.00046; TOPMed 0.00047.
gnomAD v4.1: 237 of 1,603,184 alleles (0.015%); highest among the groups gnomAD compares: African/African-American, 0.14%; no homozygotes.

Submissions (2):

Labcorp Genetics (formerly Invitae), Labcorp
Classification: Likely benign. Last evaluated: 2026-01-18. Review status: criteria provided, single submitter. Criteria: Invitae Variant Classification Sherloc (09022015). Collection method: clinical testing. Allele origin: germline.

PreventionGenetics, part of Exact Sciences
Classification: Likely benign for DOCK6-related condition. Last evaluated: 2022-06-12. Review status: no assertion criteria provided. Collection method: clinical testing. Allele origin: germline. Not counted in ClinVar's aggregate classification.
Comment: This variant is classified as likely benign based on ACMG/AMP sequence variant interpretation guidelines (Richards et al. 2015 PMID: 25741868, with internal and published modifications).

NM_020812.4(DOCK6):c.2514C>T (p.Tyr838=)

Gene: DOCK6 (dedicator of cytokinesis 6; minus strand). Cytogenetic location: 19p13.2.
Variant type: single nucleotide variant.
Coding change: c.2514C>T on transcript NM_020812.4 (MANE Select); coding-DNA position 2514, C replaced by T.
Protein change: p.Tyr838=; no amino-acid change (tyrosine 838 retained).
Molecular consequence: synonymous variant.
Genome position (GRCh38, 1-based): chr19:11,235,638, G>A on the plus strand (C>T on the coding strand, the complement: DOCK6 is on the minus strand). VCF-style: chr19-11235638-G-A. GRCh37 (hg19) VCF-style: chr19-11346314-G-A.
Other names: c.2514C>T, p.Tyr838= (NM_001367830.1).
Identifiers: ClinVar variation 764967 (VCV000764967.12), dbSNP rs374303943, ClinGen allele CA9207605.